The following is an entry in ClinVar:

ClinVar aggregate classification (germline): Benign/Likely benign. Review status: criteria provided, multiple submitters, no conflicts (2 of 4 stars). 5 submissions from 5 submitters: Benign (1); Likely benign (4). Last evaluated 2025-10-21.

Conditions:
Hereditary cancer-predisposing syndrome. Also called: Hereditary neoplastic syndrome; Neoplastic Syndromes, Hereditary; Tumor predisposition; Hereditary Cancer Syndrome. Identifiers: Orphanet 140162, MedGen C0027672, MeSH D009386, MONDO:0015356.
Ataxia-telangiectasia syndrome (AT). Also called: LOUIS-BAR SYNDROME; Cerebello-oculocutaneous telangiectasia; Immunodeficiency with ataxia telangiectasia; AT, COMPLEMENTATION GROUP C; Ataxia-telangiectasia, complementation group D; ATAXIA-TELANGIECTASIA, COMPLEMENTATION GROUP A. Identifiers: Orphanet 100, MedGen C0004135, MONDO:0008840, OMIM 208900.
Familial cancer of breast. Also called: BREAST CANCER, FAMILIAL; Hereditary breast cancer; hereditary breast carcinoma. Identifiers: Orphanet 227535, MedGen C0346153, MONDO:0016419, OMIM 114480. Disease mechanism: loss of function.

Allele frequency attached by ClinVar (database versions not stated): gnomAD exomes below 0.00001; TOPMed below 0.00001.
gnomAD v4.1: 5 of 1,613,694 alleles (0.00031%); highest among the groups gnomAD compares: Non-Finnish European, 0.00042%; no homozygotes.

Submissions (5):

Labcorp Genetics (formerly Invitae), Labcorp
Classification: Likely benign for Ataxia-telangiectasia syndrome. Last evaluated: 2025-10-21. Review status: criteria provided, single submitter. Criteria: Invitae Variant Classification Sherloc (09022015). Collection method: clinical testing. Allele origin: germline.

Color Diagnostics, LLC DBA Color Health
Classification: Likely benign for Hereditary cancer-predisposing syndrome. Last evaluated: 2025-03-31. Review status: criteria provided, single submitter. Criteria: ACMG Guidelines, 2015. Collection method: clinical testing. Allele origin: germline.

Myriad Genetics, Inc.
Classification: Benign for Familial cancer of breast. Last evaluated: 2024-04-16. Review status: criteria provided, single submitter. Criteria: Myriad Autosomal Dominant, Autosomal Recessive and X-Linked Classification Criteria (2023). Collection method: clinical testing. Allele origin: unknown.
Comment: This variant is considered benign. This variant is a silent/synonymous amino acid change and it is not expected to impact splicing.

Fulgent Genetics
Classification: Likely benign for Familial cancer of breast; Ataxia-telangiectasia syndrome. Last evaluated: 2022-04-01. Review status: criteria provided, single submitter. Criteria: ACMG Guidelines, 2015. Collection method: clinical testing. Allele origin: unknown.

Ambry Genetics
Classification: Likely benign for Hereditary cancer-predisposing syndrome. Last evaluated: 2016-02-18. Review status: criteria provided, single submitter. Criteria: Ambry Variant Classification Scheme 2023. Collection method: clinical testing. Allele origin: germline.

NM_000051.4(ATM):c.66A>G (p.Glu22=)

Gene: ATM (ATM serine/threonine kinase; plus strand). Cytogenetic location: 11q22.3.
Variant type: single nucleotide variant.
Coding change: c.66A>G on transcript NM_000051.4 (MANE Select); coding-DNA position 66, A replaced by G.
Protein change: p.Glu22=; no amino-acid change (glutamic acid 22 retained).
Molecular consequence: synonymous variant.
Genome position (GRCh38, 1-based): chr11:108,227,690, A>G. VCF-style: chr11-108227690-A-G. GRCh37 (hg19) VCF-style: chr11-108098417-A-G.
Other names: c.66A>G, p.Glu22= (NM_001351834.2, NM_001351835.2, NM_001351836.2).
Identifiers: ClinVar variation 482568 (VCV000482568.19), dbSNP rs1185359350, ClinGen allele CA476667982.